The following is an entry in ClinVar:

NM_003482.4(KMT2D):c.3938G>A (p.Arg1313Gln)

Genes: KMT2D (lysine methyltransferase 2D; minus strand), LOC126861520 (CDK7 strongly-dependent group 2 enhancer GRCh37_chr12:49442744-49443943; plus strand). Cytogenetic location: 12q13.12.
Variant type: single nucleotide variant.
Coding change: c.3938G>A on transcript NM_003482.4 (MANE Select); coding-DNA position 3938, G replaced by A.
Protein change: p.Arg1313Gln; replaces arginine 1313 with glutamine.
Molecular consequence: missense variant.
Genome position (GRCh38, 1-based): chr12:49,049,187, C>T on the plus strand (G>A on the coding strand, the complement: KMT2D is on the minus strand). VCF-style: chr12-49049187-C-T. GRCh37 (hg19) VCF-style: chr12-49442970-C-T.
Other names: short protein forms R1313Q.
Identifiers: ClinVar variation 2069118 (VCV002069118.7), dbSNP rs200306812, ClinGen allele CA6547941.
Genomic context (GRCh38, chr12:49,049,187, plus strand): 5'-GCAGTTGACTTTAGCCGGGCCCGTCCTCTACCACGTCCTCCATGGGCTCCTCCACGAGGC[C>T]GGCGTCTTCCTGGGAAACTGCTGCTGCGACCCTGAGTGAAAGAAGGGGACAATGACAGGA-3'
Protein context (NP_003473.3, residues 1303-1323): GRSSSFPGRR[Arg1313Gln]PRGGAHGGRG

ClinVar aggregate classification (germline): Conflicting classifications of pathogenicity. Review status: criteria provided, conflicting classifications (1 of 4 stars). 3 submissions from 3 submitters: Uncertain significance (1); Benign (1); Likely benign (1). Last evaluated 2025-06-01.

Conditions:
Kabuki syndrome 1 (KABUK1). Also called: KMT2D-Related Kabuki Syndrome. Identifiers: Orphanet 2322, MedGen CN030661, MONDO:0007843, OMIM 147920.
Choanal atresia-athelia-hypothyroidism-delayed puberty-short stature syndrome (BCAHH). Also called: BRANCHIAL ARCH ABNORMALITIES, CHOANAL ATRESIA, ATHELIA, HEARING LOSS, AND HYPOTHYROIDISM SYNDROME. Identifiers: Orphanet 589856, MedGen C5680310, MONDO:0035651, OMIM 620186.
Kabuki syndrome. Also called: Kabuki make-up syndrome; NIIKAWA-KUROKI SYNDROME. Identifiers: Orphanet 2322, MedGen C0796004, MONDO:0016512.
KMT2D-related disorder. Also called: KMT2D-Related Disorders.

Allele frequency attached by ClinVar (database versions not stated): gnomAD exomes 0.00002; ExAC 0.00003; gnomAD 0.00007; TOPMed 0.00008; 1000 Genomes Project 30x 0.00016; 1000 Genomes Project 0.00020.
gnomAD v4.1: 38 of 1,607,922 alleles (0.0024%); highest among the groups gnomAD compares: Admixed American, 0.014%; no homozygotes.

Submissions (3):

Labcorp Genetics (formerly Invitae), Labcorp
Classification: Benign for Kabuki syndrome. Last evaluated: 2025-06-01. Review status: criteria provided, single submitter. Criteria: Invitae Variant Classification Sherloc (09022015). Collection method: clinical testing. Allele origin: germline.

PreventionGenetics, part of Exact Sciences
Classification: Likely benign for KMT2D-related condition. Last evaluated: 2024-10-07. Review status: criteria provided, single submitter. Criteria: ACMG Guidelines, 2015. Collection method: clinical testing. Allele origin: germline.
Comment: This variant is classified as likely benign based on ACMG/AMP sequence variant interpretation guidelines (Richards et al. 2015 PMID: 25741868, with internal and published modifications).

Fulgent Genetics
Classification: Uncertain significance for Kabuki syndrome 1; Choanal atresia-athelia-hypothyroidism-delayed puberty-short stature syndrome. Last evaluated: 2024-05-21. Review status: criteria provided, single submitter. Criteria: ACMG Guidelines, 2015. Collection method: clinical testing. Allele origin: germline.